The following is an entry in ClinVar:

NC_000023.10:g.(?_135292010)_(135292184_?)del

Gene: FHL1 (four and a half LIM domains 1; plus strand). Cytogenetic location: Xq26.3.
Variant type: Deletion.
Identifiers: ClinVar variation 1505627 (VCV001505627.4).

ClinVar aggregate classification (germline): Likely pathogenic (1 of 4 stars; one submission).

Conditions:
X-linked myopathy with postural muscle atrophy. Also called: FHL1-Related Emery-Dreifuss Muscular Dystrophy, X-Linked. Identifiers: Orphanet 178461, MedGen C2678055, MONDO:0010401, OMIM 300696.

Submission:

Labcorp Genetics (formerly Invitae), Labcorp
Classification: Likely pathogenic for X-linked myopathy with postural muscle atrophy. Last evaluated: 2021-12-11. Review status: criteria provided, single submitter. Criteria: Invitae Variant Classification Sherloc (09022015). Collection method: clinical testing. Allele origin: germline.
Comment: This variant is a gross deletion of the genomic region encompassing exon(s) 7 of the FHL1 gene, which includes the termination codon. This deletion extends beyond the assayed region for this gene and therefore may encompass additional genes. While this deletion is not anticipated to lead to nonsense mediated decay, it is expected to alter mRNA translation or result in a truncated protein product. In summary, the currently available evidence indicates that the variant is pathogenic, but additional data are needed to prove that conclusively. Therefore, this variant has been classified as Likely Pathogenic. Studies have shown that a similar copy number variant alters FHL1 gene expression (external communication). This variant has not been reported in the literature in individuals affected with FHL1-related conditions.